The following is an entry in ClinVar:

NM_001105206.3(LAMA4):c.3043G>C (p.Val1015Leu)

Gene: LAMA4 (laminin subunit alpha 4; minus strand). Cytogenetic location: 6q21.
Variant type: single nucleotide variant.
Coding change: c.3043G>C on transcript NM_001105206.3 (MANE Select); coding-DNA position 3043, G replaced by C.
Protein change: p.Val1015Leu; replaces valine 1015 with leucine.
Molecular consequence: missense variant.
Genome position (GRCh38, 1-based): chr6:112,139,819, C>G on the plus strand (G>C on the coding strand, the complement: LAMA4 is on the minus strand). VCF-style: chr6-112139819-C-G. GRCh37 (hg19) VCF-style: chr6-112461021-C-G.
Other names: c.3022G>C, p.Val1008Leu (NM_001105207.3, NM_002290.5); short protein forms V1008L, V1015L.
Identifiers: ClinVar variation 180392 (VCV000180392.7), dbSNP rs730880122, ClinGen allele CA346406.

ClinVar aggregate classification (germline): Conflicting classifications of pathogenicity. Review status: criteria provided, conflicting classifications (1 of 4 stars). 4 submissions from 4 submitters: Uncertain significance (3); Likely benign (1). Last evaluated 2025-12-01.

Conditions:
Cardiovascular phenotype. Identifiers: MedGen CN230736.
Dilated cardiomyopathy 1JJ (CMD1JJ). Identifiers: Orphanet 154, MedGen C3808935, MONDO:0014095, OMIM 615235.

Allele frequency attached by ClinVar (database versions not stated): gnomAD 0.00003 and 0.00004; TOPMed 0.00003.
gnomAD v4.1: 31 of 1,613,940 alleles (0.0019%); highest among the groups gnomAD compares: Non-Finnish European, 0.0022%; no homozygotes.

Submissions (4):

Labcorp Genetics (formerly Invitae), Labcorp
Classification: Uncertain significance for Dilated cardiomyopathy 1JJ. Last evaluated: 2025-12-01. Review status: criteria provided, single submitter. Criteria: Invitae Variant Classification Sherloc (09022015). Collection method: clinical testing. Allele origin: germline.
Comment: This sequence change replaces valine, which is neutral and non-polar, with leucine, which is neutral and non-polar, at codon 1008 of the LAMA4 protein (p.Val1008Leu). This variant is present in population databases (rs730880122, gnomAD 0.009%). This variant has not been reported in the literature in individuals affected with LAMA4-related conditions. ClinVar contains an entry for this variant (Variation ID: 180392). Invitae Evidence Modeling of protein sequence and biophysical properties (such as structural, functional, and spatial information, amino acid conservation, physicochemical variation, residue mobility, and thermodynamic stability) indicates that this missense variant is not expected to disrupt LAMA4 protein function with a negative predictive value of 80%. In summary, the available evidence is currently insufficient to determine the role of this variant in disease. Therefore, it has been classified as a Variant of Uncertain Significance.

Ambry Genetics
Classification: Uncertain significance for Cardiovascular phenotype. Last evaluated: 2025-08-08. Review status: criteria provided, single submitter. Criteria: Ambry Variant Classification Scheme 2023. Collection method: clinical testing. Allele origin: germline.

GeneDx
Classification: Uncertain significance. Last evaluated: 2022-01-10. Review status: criteria provided, single submitter. Criteria: GeneDx Variant Classification Process June 2021. Collection method: clinical testing. Allele origin: germline. Affected: yes.
Comment: Has not been previously published as pathogenic or benign to our knowledge; In silico analysis supports that this missense variant does not alter protein structure/function; Reported in ClinVar as a variant of uncertain significance (ClinVar Variant ID# 180392)

Blueprint Genetics
Classification: Likely benign. Last evaluated: 2019-09-26. Review status: criteria provided, single submitter. Criteria: ACMG Guidelines, 2015. Collection method: clinical testing. Allele origin: germline.